The following is an entry in ClinVar:

ClinVar aggregate classification (germline): Likely pathogenic. Review status: criteria provided, multiple submitters, no conflicts (2 of 4 stars). 3 submissions from 3 submitters: Likely pathogenic (3). Last evaluated 2025-04-27.

Conditions:
Thrombophilia due to protein S deficiency, autosomal dominant (THPH5). Identifiers: Orphanet 26349, Orphanet 743, MedGen C3278211, MONDO:0012868, OMIM 612336. Disease mechanism: loss of function.
Thrombophilia due to protein S deficiency, autosomal recessive (THPH6). Identifiers: Orphanet 743, MedGen C3281092, MONDO:0013791, OMIM 614514. Disease mechanism: loss of function.

Allele frequency attached by ClinVar (database versions not stated): ExAC 0.00001; gnomAD 0.00001; gnomAD exomes 0.00001 and 0.00002; TOPMed 0.00004.
gnomAD v4.1: 18 of 1,613,658 alleles (0.0011%); highest among the groups gnomAD compares: Admixed American, 0.0033%; no homozygotes.

Submissions (3):

Labcorp Genetics (formerly Invitae), Labcorp
Classification: Likely pathogenic for Thrombophilia due to protein S deficiency, autosomal recessive. Last evaluated: 2025-04-27. Review status: criteria provided, single submitter. Criteria: Invitae Variant Classification Sherloc (09022015). Collection method: clinical testing. Allele origin: germline.
Comment: This sequence change replaces arginine, which is basic and polar, with histidine, which is basic and polar, at codon 355 of the PROS1 protein (p.Arg355His). This variant is present in population databases (rs780863931, gnomAD 0.006%). This missense change has been observed in individuals with protein S deficiency (PMID: 15238143, 18435454). It has also been observed to segregate with disease in related individuals. This variant is also known as c.1210G>A, p.Arg314His. ClinVar contains an entry for this variant (Variation ID: 956390). Invitae Evidence Modeling of protein sequence and biophysical properties (such as structural, functional, and spatial information, amino acid conservation, physicochemical variation, residue mobility, and thermodynamic stability) indicates that this missense variant is not expected to disrupt PROS1 protein function with a negative predictive value of 80%. Experimental studies are conflicting or provide insufficient evidence to determine the effect of this variant on PROS1 function (PMID: 16961607). This variant disrupts the p.Arg335 amino acid residue in PROS1. Other variant(s) that disrupt this residue have been determined to be pathogenic (PMID: 21172841, 21486865, 21764702, 27667277, 27748013, 29748776). This suggests that this residue is clinically significant, and that variants that disrupt this residue are likely to be disease-causing. In summary, the currently available evidence indicates that the variant is pathogenic, but additional data are needed to prove that conclusively. Therefore, this variant has been classified as Likely Pathogenic.

Fulgent Genetics
Classification: Likely pathogenic for Thrombophilia due to protein S deficiency, autosomal dominant; Thrombophilia due to protein S deficiency, autosomal recessive. Last evaluated: 2022-05-03. Review status: criteria provided, single submitter. Criteria: ACMG Guidelines, 2015. Collection method: clinical testing. Allele origin: unknown.

Juno Genomics, Hangzhou Juno Genomics, Inc
Classification: Likely pathogenic for Thrombophilia due to protein S deficiency, autosomal dominant; Thrombophilia due to protein S deficiency, autosomal recessive. Review status: criteria provided, single submitter. Criteria: ACMG Guidelines, 2015. Collection method: clinical testing. Allele origin: germline.
Comment: Absent from controls (or at extremely low frequency if recessive) in Genome Aggregation Database.;Multiple lines of computational evidence support a deleterious effect on the gene or gene product.;The prevalence of the variant in affected individuals is significantly increased compared to the prevalence in controls.;Patient's phenotype or family history is highly specific for a disease with a single genetic etiology.;Co-segregation with disease in multiple affected family members.

Literature cited by the submitters: PubMed 15238143 (cited by Labcorp Genetics (formerly Invitae), Labcorp); PubMed 18435454 (cited by Labcorp Genetics (formerly Invitae), Labcorp); PubMed 16961607 (cited by Labcorp Genetics (formerly Invitae), Labcorp); PubMed 21172841 (cited by Labcorp Genetics (formerly Invitae), Labcorp); PubMed 21486865 (cited by Labcorp Genetics (formerly Invitae), Labcorp); PubMed 21764702 (cited by Labcorp Genetics (formerly Invitae), Labcorp); PubMed 27667277 (cited by Labcorp Genetics (formerly Invitae), Labcorp); PubMed 27748013 (cited by Labcorp Genetics (formerly Invitae), Labcorp); PubMed 29748776 (cited by Labcorp Genetics (formerly Invitae), Labcorp).

NM_000313.4(PROS1):c.1064G>A (p.Arg355His)

Gene: PROS1 (protein S; minus strand). Cytogenetic location: 3q11.1.
Variant type: single nucleotide variant.
Coding change: c.1064G>A on transcript NM_000313.4 (MANE Select); coding-DNA position 1064, G replaced by A.
Protein change: p.Arg355His; replaces arginine 355 with histidine.
Molecular consequence: missense variant.
Genome position (GRCh38, 1-based): chr3:93,893,024, C>T on the plus strand (G>A on the coding strand, the complement: PROS1 is on the minus strand). VCF-style: chr3-93893024-C-T. GRCh37 (hg19) VCF-style: chr3-93611868-C-T.
Other names: c.1160G>A, p.Arg387His (NM_001314077.2); short protein forms R387H, R355H.
Identifiers: ClinVar variation 956390 (VCV000956390.8), dbSNP rs780863931, ClinGen allele CA2503280.